The following is an entry in ClinVar:

NM_014956.5(CEP164):c.4196C>T (p.Ser1399Leu)

Gene: CEP164 (centrosomal protein 164; plus strand). Cytogenetic location: 11q23.3.
Variant type: single nucleotide variant.
Coding change: c.4196C>T on transcript NM_014956.5 (MANE Select); coding-DNA position 4196, C replaced by T.
Protein change: p.Ser1399Leu; replaces serine 1399 with leucine.
Molecular consequence: missense variant.
Genome position (GRCh38, 1-based): chr11:117,411,827, C>T. VCF-style: chr11-117411827-C-T. GRCh37 (hg19) VCF-style: chr11-117282543-C-T.
Other names: c.4181C>T, p.Ser1394Leu (NM_001271933.2); short protein forms S1394L, S1399L.
Identifiers: ClinVar variation 3658555 (VCV003658555.1).

ClinVar aggregate classification (germline): Uncertain significance (1 of 4 stars; one submission).

Conditions:
Nephronophthisis 15 (NPHP15). Identifiers: Orphanet 3156, MedGen C3541853, MONDO:0013917, OMIM 614845.

gnomAD v4.1: 58 of 1,614,060 alleles (0.0036%); highest among the groups gnomAD compares: South Asian, 0.032%; no homozygotes.

Submission:

Labcorp Genetics (formerly Invitae), Labcorp
Classification: Uncertain significance for Nephronophthisis 15. Last evaluated: 2025-01-23. Review status: criteria provided, single submitter. Criteria: Invitae Variant Classification Sherloc (09022015). Collection method: clinical testing. Allele origin: germline.
Comment: This sequence change replaces serine, which is neutral and polar, with leucine, which is neutral and non-polar, at codon 1399 of the CEP164 protein (p.Ser1399Leu). This variant is present in population databases (rs751023416, gnomAD 0.03%). This variant has not been reported in the literature in individuals affected with CEP164-related conditions. Invitae Evidence Modeling of protein sequence and biophysical properties (such as structural, functional, and spatial information, amino acid conservation, physicochemical variation, residue mobility, and thermodynamic stability) indicates that this missense variant is not expected to disrupt CEP164 protein function with a negative predictive value of 80%. In summary, the available evidence is currently insufficient to determine the role of this variant in disease. Therefore, it has been classified as a Variant of Uncertain Significance.